The following is an entry in ClinVar:

ClinVar aggregate classification (germline): Uncertain significance (1 of 4 stars; one submission).

Submission:

Labcorp Genetics (formerly Invitae), Labcorp
Classification: Uncertain significance. Last evaluated: 2022-08-08. Review status: criteria provided, single submitter. Criteria: Invitae Variant Classification Sherloc (09022015). Collection method: clinical testing. Allele origin: germline.
Comment: In summary, the available evidence is currently insufficient to determine the role of this variant in disease. Therefore, it has been classified as a Variant of Uncertain Significance. This sequence change replaces leucine, which is neutral and non-polar, with methionine, which is neutral and non-polar, at codon 2073 of the FAT2 protein (p.Leu2073Met). This variant is not present in population databases (gnomAD no frequency). This variant has not been reported in the literature in individuals affected with FAT2-related conditions. Algorithms developed to predict the effect of missense changes on protein structure and function are either unavailable or do not agree on the potential impact of this missense change (SIFT: "Deleterious"; PolyPhen-2: "Possibly Damaging"; Align-GVGD: "Class C0").

NM_001447.3(FAT2):c.6217C>A (p.Leu2073Met)

Genes: FAT2 (FAT atypical cadherin 2; minus strand), SLC36A1 (solute carrier family 36 member 1; plus strand). Cytogenetic location: 5q33.1.
Variant type: single nucleotide variant.
Coding change: c.6217C>A on transcript NM_001447.3 (MANE Select); coding-DNA position 6217, C replaced by A.
Protein change: p.Leu2073Met; replaces leucine 2073 with methionine.
Molecular consequence: missense variant.
Genome position (GRCh38, 1-based): chr5:151,544,910, G>T on the plus strand (C>A on the coding strand, the complement: FAT2 is on the minus strand). VCF-style: chr5-151544910-G-T. GRCh37 (hg19) VCF-style: chr5-150924471-G-T.
Other names: short protein forms L2073M.
Identifiers: ClinVar variation 1715720 (VCV001715720.5), dbSNP rs2479855255, ClinGen allele CA361839585.